The following is an entry in ClinVar:

ClinVar aggregate classification (germline): Likely pathogenic (1 of 4 stars; one submission).

Conditions:
Bloom syndrome (BLM). Also called: Bloom-Torre-Machacek syndrome. Identifiers: Orphanet 125, MedGen C0005859, MONDO:0008876, OMIM 210900.

Submission:

Myriad Genetics, Inc.
Classification: Likely pathogenic for Bloom syndrome. Last evaluated: 2026-04-23. Review status: criteria provided, single submitter. Criteria: Myriad Autosomal Dominant, Autosomal Recessive and X-Linked Classification Criteria (2023). Collection method: clinical testing. Allele origin: unknown.
Comment: This variant is considered likely pathogenic. This variant occurs within a consensus splice junction and is predicted to result in abnormal mRNA splicing of either an out-of-frame exon or an in-frame exon necessary for protein stability and/or normal function.

NM_000057.4(BLM):c.-4-2A>G

Gene: BLM (BLM RecQ like helicase; plus strand). Cytogenetic location: 15q26.1.
Variant type: single nucleotide variant.
Coding change: c.-4-2A>G on transcript NM_000057.4 (MANE Select); the canonical splice acceptor site of the intron before 4 bases upstream of the start codon, A replaced by G.
Molecular consequence: splice acceptor variant.
Genome position (GRCh38, 1-based): chr15:90,747,387, A>G. VCF-style: chr15-90747387-A-G. GRCh37 (hg19) VCF-style: chr15-91290617-A-G.
Other names: c.-4-2A>G (NM_001287246.2, NM_001287247.2); c.-1295-2A>G (NM_001287248.2).
Identifiers: ClinVar variation 4876107 (VCV004876107.1).